The following is an entry in ClinVar:

ClinVar aggregate classification (germline): Likely benign. Review status: criteria provided, multiple submitters, no conflicts (2 of 4 stars). 2 submissions from 2 submitters: Likely benign (2). Last evaluated 2025-10-15.

Conditions:
PDE6B-related disorder. Also called: PDE6B-related disease; PDE6B-related condition; PDE6B-related disorders.

Allele frequency attached by ClinVar (database versions not stated): gnomAD 0.00001 and 0.00003; TOPMed 0.00004; gnomAD exomes 0.00005; ExAC 0.00007.
gnomAD v4.1: 24 of 1,585,810 alleles (0.0015%); highest among the groups gnomAD compares: East Asian, 0.0092%; no homozygotes.

Submissions (2):

PreventionGenetics, part of Exact Sciences
Classification: Likely benign for PDE6B-related condition. Last evaluated: 2025-10-15. Review status: criteria provided, single submitter. Criteria: ACMG Guidelines, 2015. Collection method: clinical testing. Allele origin: germline.
Comment: This variant is classified as likely benign based on ACMG/AMP sequence variant interpretation guidelines (Richards et al. 2015 PMID: 25741868, with internal and published modifications).

Labcorp Genetics (formerly Invitae), Labcorp
Classification: Likely benign. Last evaluated: 2024-04-27. Review status: criteria provided, single submitter. Criteria: Invitae Variant Classification Sherloc (09022015). Collection method: clinical testing. Allele origin: germline.

NM_000283.4(PDE6B):c.378C>T (p.Pro126=)

Gene: PDE6B (phosphodiesterase 6B; plus strand). Cytogenetic location: 4p16.3.
Variant type: single nucleotide variant.
Coding change: c.378C>T on transcript NM_000283.4 (MANE Select); coding-DNA position 378, C replaced by T.
Protein change: p.Pro126=; no amino-acid change (proline 126 retained).
Molecular consequence: synonymous variant.
Genome position (GRCh38, 1-based): chr4:626,004, C>T. VCF-style: chr4-626004-C-T. GRCh37 (hg19) VCF-style: chr4-619793-C-T.
Other names: c.378C>T, p.Pro126= (NM_001145291.2).
Identifiers: ClinVar variation 744877 (VCV000744877.8), dbSNP rs762663455, ClinGen allele CA2793923.